The following is an entry in ClinVar:

ClinVar aggregate classification (germline): Uncertain significance. Review status: criteria provided, multiple submitters, no conflicts (2 of 4 stars). 2 submissions from 2 submitters: Uncertain significance (2). Last evaluated 2026-09-09.

Conditions:
PCNT-related disorder. Also called: PCNT-related condition.
Microcephalic osteodysplastic primordial dwarfism type II (MOPD2). Also called: Microcephalic osteodysplastic primordial dwarfism with tooth abnormalities; MOPD II; OSTEODYSPLASTIC PRIMORDIAL DWARFISM, TYPE II. Identifiers: Orphanet 2637, MedGen C0432246, MONDO:0008872, OMIM 210720.

Allele frequency attached by ClinVar (database versions not stated): TOPMed 0.00003.
gnomAD v4.1: 7 of 1,556,722 alleles (0.00045%); highest among the groups gnomAD compares: African/African-American, 0.0027%; no homozygotes.

Submissions (2):

PreventionGenetics, part of Exact Sciences
Classification: Uncertain significance for PCNT-related condition. Last evaluated: 2026-09-09. Review status: criteria provided, single submitter. Criteria: ACMG Guidelines, 2015. Collection method: clinical testing. Allele origin: germline.
Comment: The PCNT c.4177G>T variant is predicted to result in the amino acid substitution p.Gly1393Trp. This variant was reported in individuals with increased risk of autism spectrum disorder (Table S2, Lim et al. 2017. PubMed ID: 28714951; Table S1, Zhou et al. 2019. PubMed ID: 31133750; Table S1, Zhou et al. 2022. PubMed ID: 35982159; Table S20, Fu et al. 2022. PubMed ID: 35982160). This variant is reported in 0.0013% of alleles in individuals of European (Non-Finnish) descent in gnomAD. At this time, the clinical significance of this variant is uncertain due to the absence of conclusive functional and genetic evidence.

Illumina Laboratory Services, Illumina
Classification: Uncertain significance for Microcephalic osteodysplastic primordial dwarfism type II. Last evaluated: 2018-01-12. Review status: criteria provided, single submitter. Criteria: ICSL Variant Classification Criteria 13 December 2019. Collection method: clinical testing. Allele origin: germline.

NM_006031.6(PCNT):c.4177G>T (p.Gly1393Trp)

Gene: PCNT (pericentrin; plus strand). Cytogenetic location: 21q22.3.
Variant type: single nucleotide variant.
Coding change: c.4177G>T on transcript NM_006031.6 (MANE Select); coding-DNA position 4177, G replaced by T.
Protein change: p.Gly1393Trp; replaces glycine 1393 with tryptophan.
Molecular consequence: missense variant.
Genome position (GRCh38, 1-based): chr21:46,391,337, G>T. VCF-style: chr21-46391337-G-T. GRCh37 (hg19) VCF-style: chr21-47811252-G-T.
Other names: c.3823G>T, p.Gly1275Trp (NM_001315529.2); short protein forms G1275W, G1393W.
Identifiers: ClinVar variation 897383 (VCV000897383.5), dbSNP rs753662756, ClinGen allele CA10079556.